The following is an entry in ClinVar:

NM_003185.4(TAF4):c.2410G>T (p.Ala804Ser)

Gene: TAF4 (TATA-box binding protein associated factor 4; minus strand). Cytogenetic location: 20q13.33.
Variant type: single nucleotide variant.
Coding change: c.2410G>T on transcript NM_003185.4 (MANE Select); coding-DNA position 2410, G replaced by T.
Protein change: p.Ala804Ser; replaces alanine 804 with serine.
Molecular consequence: missense variant.
Genome position (GRCh38, 1-based): chr20:62,003,236, C>A on the plus strand (G>T on the coding strand, the complement: TAF4 is on the minus strand). VCF-style: chr20-62003236-C-A. GRCh37 (hg19) VCF-style: chr20-60578292-C-A.
Other names: short protein forms A804S.
Identifiers: ClinVar variation 4883701 (VCV004883701.2).
Genomic context (GRCh38, chr20:62,003,236, plus strand): 5'-CAGGCTCCTTGAGTTTATTTTTCTGTGCAGCAGCTGCTTGTGCCGAGACAGCAGAAAGGG[C>A]TTTGGTTCCAGGTAACACGGCGGGTTTCACCACAGGGACTACAAAACAAACACACAGTGG-3'
Protein context (NP_003176.2, residues 794-814): VKPAVLPGTK[Ala804Ser]LSAVSAQAAA

ClinVar aggregate classification (germline): Uncertain significance (1 of 4 stars; one submission).

gnomAD v4.1: 4 of 1,614,076 alleles (0.00025%); highest among the groups gnomAD compares: African/African-American, 0.0053%; no homozygotes.

Submission:

Dasa
Classification: Uncertain significance. Last evaluated: 2025-12-03. Review status: criteria provided, single submitter. Criteria: DASA Assertion Criteria. Collection method: clinical testing. Allele origin: germline.
Comment: NM_003185.4(TAF4):c.2410G>T (p.Ala804Ser) is a missense variant that results in the substitution of alanine with serine. This variant is rare in population databases. Computational prediction algorithms are consistent with a benign effect. The currently available literature and clinical evidence are not sufficient to establish a definitive association between this variant and the reported condition. Therefore, this variant is classified as a variant of uncertain significance.